The following is an entry in ClinVar:

NM_000048.4(ASL):c.5C>A (p.Ala2Asp)

Gene: ASL (argininosuccinate lyase; plus strand). Cytogenetic location: 7q11.21.
Variant type: single nucleotide variant.
Coding change: c.5C>A on transcript NM_000048.4 (MANE Select); coding-DNA position 5, C replaced by A.
Protein change: p.Ala2Asp; replaces alanine 2 with aspartic acid.
Molecular consequence: missense variant.
Genome position (GRCh38, 1-based): chr7:66,076,086, C>A. VCF-style: chr7-66076086-C-A. GRCh37 (hg19) VCF-style: chr7-65541073-C-A.
Other names: c.5C>A, p.Ala2Asp (NM_001024943.2, NM_001024944.2, NM_001024946.2); c.5C>A (NM_000048.3); short protein forms A2D.
Identifiers: ClinVar variation 2189609 (VCV002189609.4), dbSNP rs149918397, ClinGen allele CA4276790.
Genomic context (GRCh38, chr7:66,076,086, plus strand): 5'-TCTTGTCTTCCAGACCCGGAGGACCGAAGCTTCCGGACGACGAGGAACCGCCCAACATGG[C>A]CTCGGAGGTGAGTGGGACCTCGGGGACTCCGGTCCTCCTAGCCTCCAAAGGAGAGAGTGG-3'
Protein context (NP_000039.2, residues 1-12): M[Ala2Asp]SESGKLWGGR

ClinVar aggregate classification (germline): Uncertain significance. Review status: criteria provided, multiple submitters, no conflicts (2 of 4 stars). 2 submissions from 2 submitters: Uncertain significance (2). Last evaluated 2024-10-08.

Conditions:
Inborn genetic diseases. Identifiers: MedGen C0950123, MeSH D030342.
Argininosuccinate lyase deficiency. Also called: ARGININOSUCCINIC ACID LYASE DEFICIENCY; Argininosuccinic aciduria; ASL DEFICIENCY. Identifiers: Orphanet 23, MedGen C0268547, MONDO:0008815, OMIM 207900, HP:0025630.

Allele frequency attached by ClinVar (database versions not stated): gnomAD exomes below 0.00001; gnomAD 0.00001; TOPMed 0.00003; ESP Exome Variant Server 0.00015.
gnomAD v4.1: 10 of 1,599,634 alleles (0.00063%); highest among the groups gnomAD compares: African/African-American, 0.0054%; no homozygotes.

Submissions (2):

Labcorp Genetics (formerly Invitae), Labcorp
Classification: Uncertain significance for Argininosuccinate lyase deficiency. Last evaluated: 2024-10-08. Review status: criteria provided, single submitter. Criteria: Invitae Variant Classification Sherloc (09022015). Collection method: clinical testing. Allele origin: germline.
Comment: This sequence change replaces alanine, which is neutral and non-polar, with aspartic acid, which is acidic and polar, at codon 2 of the ASL protein (p.Ala2Asp). The frequency data for this variant in the population databases is considered unreliable, as metrics indicate poor data quality at this position in the gnomAD database. This variant has not been reported in the literature in individuals affected with ASL-related conditions. ClinVar contains an entry for this variant (Variation ID: 2189609). Invitae Evidence Modeling of protein sequence and biophysical properties (such as structural, functional, and spatial information, amino acid conservation, physicochemical variation, residue mobility, and thermodynamic stability) has been performed for this missense variant. However, the output from this modeling did not meet the statistical confidence thresholds required to predict the impact of this variant on ASL protein function. In summary, the available evidence is currently insufficient to determine the role of this variant in disease. Therefore, it has been classified as a Variant of Uncertain Significance.

Ambry Genetics
Classification: Uncertain significance for Inborn genetic diseases. Last evaluated: 2021-06-30. Review status: criteria provided, single submitter. Criteria: Ambry Variant Classification Scheme 2023. Collection method: clinical testing. Allele origin: germline.